The following is an entry in ClinVar:

NM_206933.4(USH2A):c.1963T>C (p.Cys655Arg)

Gene: USH2A (usherin; minus strand). Cytogenetic location: 1q41.
Variant type: single nucleotide variant.
Coding change: c.1963T>C on transcript NM_206933.4 (MANE Select); coding-DNA position 1963, T replaced by C.
Protein change: p.Cys655Arg; replaces cysteine 655 with arginine.
Molecular consequence: missense variant.
Genome position (GRCh38, 1-based): chr1:216,289,288, A>G on the plus strand (T>C on the coding strand, the complement: USH2A is on the minus strand). VCF-style: chr1-216289288-A-G. GRCh37 (hg19) VCF-style: chr1-216462630-A-G.
Other names: c.1963T>C, p.Cys655Arg (NM_007123.6); short protein forms C655R.
Identifiers: ClinVar variation 2151917 (VCV002151917.5), dbSNP rs1283231785, ClinGen allele CA344902572.
Genomic context (GRCh38, chr1:216,289,288, plus strand): 5'-AGTTTCTGGCAGACAGAGTAATCCTTTACCTTAAATACTCAGAAAAACTCACCTGATCAC[A>G]AAGAATGCTACCATTTCTAGTGCCAACTGTATCACAGTCACAGGGTTTGCAAACATCTAT-3'
Protein context (NP_996816.3, residues 645-665): TVGTRNGSIL[Cys655Arg]DQIGGQCNCK

ClinVar aggregate classification (germline): Pathogenic/Likely pathogenic. Review status: criteria provided, multiple submitters, no conflicts (2 of 4 stars). 2 submissions from 2 submitters: Pathogenic (1); Likely pathogenic (1). Last evaluated 2026-01-20.

Conditions:
Usher syndrome. Also called: Usher's syndrome; Usher Syndromes. Identifiers: Orphanet 886, MedGen CN469326, MeSH D052245, MONDO:0019501. Disease mechanism: loss of function.

Submissions (2):

Women's Health and Genetics/Laboratory Corporation of America, LabCorp
Classification: Likely pathogenic for Usher syndrome. Last evaluated: 2026-01-20. Review status: criteria provided, single submitter. Criteria: LabCorp Variant Classification Summary - May 2015. Collection method: clinical testing. Allele origin: germline.
Comment: Variant summary: USH2A c.1963T>C (p.Cys655Arg) results in a non-conservative amino acid change in the encoded protein sequence. Algorithms developed to predict the effect of missense changes on protein structure and function all suggest that this variant is likely to be disruptive. The variant allele was found at a frequency of 4e-06 in 251294 control chromosomes. c.1963T>C has been observed in the presumed or confirmed compound heterozygous state in multiple individual(s) affected with retinitis pigmentosa and/or Usher syndrome (example: Stone_2017, internal data), including at least 1 family where it segregated with disease. These data indicate that the variant may be associated with disease. To our knowledge, no experimental evidence demonstrating an impact on protein function has been reported. The following publications has been ascertained in the context of this evaluation (PMID: 28559085, 36034145). ClinVar contains an entry for this variant (Variation ID: 2151917). Based on the evidence outlined above, the variant was classified as likely pathogenic.

Labcorp Genetics (formerly Invitae), Labcorp
Classification: Pathogenic. Last evaluated: 2023-08-10. Review status: criteria provided, single submitter. Criteria: Invitae Variant Classification Sherloc (09022015). Collection method: clinical testing. Allele origin: germline.
Comment: This sequence change replaces cysteine, which is neutral and slightly polar, with arginine, which is basic and polar, at codon 655 of the USH2A protein (p.Cys655Arg). This variant is present in population databases (no rsID available, gnomAD 0.006%). This missense change has been observed in individual(s) with retinitis pigmentosa and/or Usher syndrome (PMID: 28559085; Invitae). In at least one individual the data is consistent with being in trans (on the opposite chromosome) from a pathogenic variant. It has also been observed to segregate with disease in related individuals. ClinVar contains an entry for this variant (Variation ID: 2151917). Advanced modeling of protein sequence and biophysical properties (such as structural, functional, and spatial information, amino acid conservation, physicochemical variation, residue mobility, and thermodynamic stability) performed at Invitae indicates that this missense variant is expected to disrupt USH2A protein function. For these reasons, this variant has been classified as Pathogenic.

Literature cited by the submitters: PubMed 28559085 (cited by Women's Health and Genetics/Laboratory Corporation of America, LabCorp and Labcorp Genetics (formerly Invitae), Labcorp); PubMed 36034145 (cited by Women's Health and Genetics/Laboratory Corporation of America, LabCorp).